The following is an entry in ClinVar:

ClinVar aggregate classification (germline): Pathogenic (1 of 4 stars; one submission).

Submission:

Labcorp Genetics (formerly Invitae), Labcorp
Classification: Pathogenic. Last evaluated: 2023-11-27. Review status: criteria provided, single submitter. Criteria: Invitae Variant Classification Sherloc (09022015). Collection method: clinical testing. Allele origin: germline.
Comment: This sequence change creates a premature translational stop signal (p.Gln1516*) in the ABCA4 gene. It is expected to result in an absent or disrupted protein product. Loss-of-function variants in ABCA4 are known to be pathogenic (PMID: 10958761, 24938718, 25312043, 26780318). This variant is not present in population databases (gnomAD no frequency). This variant has not been reported in the literature in individuals affected with ABCA4-related conditions. For these reasons, this variant has been classified as Pathogenic.

Literature cited by the submitters: PubMed 10958761; PubMed 24938718; PubMed 25312043; PubMed 26780318.

NM_000350.3(ABCA4):c.4546C>T (p.Gln1516Ter)

Gene: ABCA4 (ATP binding cassette subfamily A member 4; minus strand). Cytogenetic location: 1p22.1.
Variant type: single nucleotide variant.
Coding change: c.4546C>T on transcript NM_000350.3 (MANE Select); coding-DNA position 4546, C replaced by T.
Protein change: p.Gln1516Ter; replaces glutamine 1516 with a stop codon.
Molecular consequence: nonsense.
Genome position (GRCh38, 1-based): chr1:94,025,042, G>A on the plus strand (C>T on the coding strand, the complement: ABCA4 is on the minus strand). VCF-style: chr1-94025042-G-A. GRCh37 (hg19) VCF-style: chr1-94490598-G-A.
Other names: c.4324C>T, p.Gln1442Ter (NM_001425324.1); short protein forms Q1516*, Q1442*.
Identifiers: ClinVar variation 2776777 (VCV002776777.3), dbSNP rs2523707333, ClinGen allele CA341284741.